The following is an entry in ClinVar:

ClinVar aggregate classification (germline): Uncertain significance (1 of 4 stars; one submission).

Submission:

GeneDx
Classification: Uncertain significance. Last evaluated: 2023-02-03. Review status: criteria provided, single submitter. Criteria: GeneDx Variant Classification Process June 2021. Collection method: clinical testing. Allele origin: germline. Affected: yes.
Comment: Not observed at significant frequency in large population cohorts (gnomAD); Canonical splice site variant in a gene or region of a gene for which loss of function is not a well-established mechanism of disease; Has not been previously published as pathogenic or benign to our knowledge

NM_001205293.3(CACNA1E):c.1638+1G>C

Gene: CACNA1E (calcium voltage-gated channel subunit alpha1 E; plus strand). Cytogenetic location: 1q25.3.
Variant type: single nucleotide variant.
Coding change: c.1638+1G>C on transcript NM_001205293.3 (MANE Select); the canonical splice donor site of the intron after coding-DNA position 1638, G replaced by C.
Molecular consequence: splice donor variant.
Genome position (GRCh38, 1-based): chr1:181,718,168, G>C. VCF-style: chr1-181718168-G-C. GRCh37 (hg19) VCF-style: chr1-181687304-G-C.
Other names: c.1638+1G>C (NM_000721.4, NM_001205294.2).
Identifiers: ClinVar variation 2574887 (VCV002574887.1), dbSNP rs2528521966, ClinGen allele CA343626008.